The following is an entry in ClinVar:

ClinVar aggregate classification (germline): Pathogenic (1 of 4 stars; one submission).

Conditions:
Hereditary cancer-predisposing syndrome. Also called: Neoplastic Syndromes, Hereditary; Tumor predisposition; Hereditary Cancer Syndrome; Hereditary neoplastic syndrome. Identifiers: Orphanet 140162, MedGen C0027672, MeSH D009386, MONDO:0015356.

Submission:

Ambry Genetics
Classification: Pathogenic for Hereditary cancer-predisposing syndrome. Last evaluated: 2018-10-04. Review status: criteria provided, single submitter. Criteria: Ambry Variant Classification Scheme 2023. Collection method: clinical testing. Allele origin: germline.
Comment: The c.3856dupT pathogenic mutation, located in coding exon 20 of the DICER1 gene, results from a duplication of T at nucleotide position 3856, causing a translational frameshift with a predicted alternate stop codon (p.S1286Ffs*22). This alteration is expected to result in loss of function by premature protein truncation or nonsense-mediated mRNA decay. As such, this alteration is interpreted as a disease-causing mutation.

NM_177438.3(DICER1):c.3856dup (p.Ser1286fs)

Gene: DICER1 (dicer 1, ribonuclease III; minus strand). Cytogenetic location: 14q32.13.
Variant type: Duplication.
Coding change: c.3856dup on transcript NM_177438.3 (MANE Select); coding-DNA position 3856, one base duplicated (T; older notation c.3856dupT).
Protein change: p.Ser1286fs; shifts the reading frame from serine 1286.
Molecular consequence: frameshift variant. On other transcripts: non-coding transcript variant (6).
Genome position (GRCh38, 1-based): chr14:95,103,540, A duplicated on the plus strand (T on the coding strand, the reverse complement: DICER1 is on the minus strand). VCF-style (leftmost placement, unchanged base first): chr14-95103539-G-GA. GRCh37 (hg19) VCF-style: chr14-95569876-G-GA.
Other names: c.3856dup, p.Ser1286fs (NM_001195573.1, NM_001271282.3, NM_001291628.2 and 12 more transcripts); c.3856dup, p.Ser1286Phefs (NM_001395681.1); c.3574dup, p.Ser1192fs (NM_001395686.1); c.3451dup, p.Ser1151fs (NM_001395687.1, NM_001395688.1, NM_001395689.1 and 2 more transcripts); c.3289dup, p.Ser1097fs (NM_001395691.1); c.2173dup, p.Ser725fs (NM_001395697.1); c.3856dupT (NM_177438.2); short protein forms S725fs, S1151fs, S1192fs, S1097fs, S1286fs.
Identifiers: ClinVar variation 1735557 (VCV001735557.2), dbSNP rs2542692569, ClinGen allele CA2580089231.